The following is an entry in ClinVar:

NM_001384140.1(PCDH15):c.4687_4690dup (p.Ile1564fs)

Gene: PCDH15 (protocadherin related 15; minus strand). Cytogenetic location: 10q21.1.
Variant type: Duplication.
Coding change: c.4687_4690dup on transcript NM_001384140.1 (MANE Select); coding-DNA positions 4687 to 4690, 4 bases duplicated (ATGA; older notation c.4687_4690dupATGA).
Protein change: p.Ile1564fs; shifts the reading frame from isoleucine 1564.
Molecular consequence: frameshift variant.
Genome position (GRCh38, 1-based): chr10:53,807,112-53,807,115, TCAT duplicated on the plus strand (ATGA on the coding strand, the reverse complement: PCDH15 is on the minus strand); duplicating any 4 consecutive bases within chr10:53,807,112-53,807,117 gives the same sequence; the c. name uses the placement nearest the transcript's 3' end. VCF-style (leftmost placement, unchanged base first): chr10-53807111-A-ATCAT. GRCh37 (hg19) VCF-style: chr10-55566871-A-ATCAT.
Other names: c.4513_4516dup, p.Ile1506fs (NM_001142771.2); c.4498_4501dup, p.Ile1501fs (NM_001142772.2); c.4492_4495dup, p.Ile1499fs (NM_001354420.2); c.4621_4624dup, p.Ile1542fs (NM_001354429.2); short protein forms I1499fs, I1501fs, I1542fs, I1564fs, I1506fs.
Identifiers: ClinVar variation 4993448 (VCV004993448.1).

ClinVar aggregate classification (germline): Uncertain significance (1 of 4 stars; one submission).

Conditions:
PCDH15-related disorder. Also called: PCDH15-related condition; PCDH15-related disorders.

Submission:

PreventionGenetics, part of Exact Sciences
Classification: Uncertain significance for PCDH15-related condition. Last evaluated: 2025-09-17. Review status: criteria provided, single submitter. Criteria: ACMG Guidelines, 2015. Collection method: clinical testing. Allele origin: germline.
Comment: The PCDH15 c.4513_4516dupATGA variant is predicted to result in a frameshift and premature protein termination (p.Ile1506Asnfs*7). This variant is located in the terminal exon in transcript NM_001142771. This variant can also be denoted as c.*1880dupA (Post-Coding) in the biologically relevant transcript for hearing loss NM_001142769. To our knowledge, this variant has not been reported in the literature. This variant is reported in 0.0057% of alleles in individuals of East Asian descent in gnomAD. At this time, the clinical significance of this variant is uncertain due to the absence of conclusive functional and genetic evidence.